The following is an entry in ClinVar:

NM_014855.3(AP5Z1):c.791-5C>T

Gene: AP5Z1 (adaptor related protein complex 5 subunit zeta 1; plus strand). Cytogenetic location: 7p22.1.
Variant type: single nucleotide variant.
Coding change: c.791-5C>T on transcript NM_014855.3 (MANE Select); 5 bases into the intron before coding-DNA position 791, C replaced by T.
Molecular consequence: intron variant.
Genome position (GRCh38, 1-based): chr7:4,784,903, C>T. VCF-style: chr7-4784903-C-T. GRCh37 (hg19) VCF-style: chr7-4824534-C-T.
Other names: p.?; c.791-5C>T (LRG_1247t1); c.323-5C>T (NM_001364858.1).
Identifiers: ClinVar variation 446852 (VCV000446852.20), dbSNP rs73671921, ClinGen allele CA4137401.

ClinVar aggregate classification (germline): Benign/Likely benign. Review status: criteria provided, multiple submitters, no conflicts (2 of 4 stars). 8 submissions from 8 submitters: Benign (4); Likely benign (4). Last evaluated 2026-01-07.

Conditions:
AP5Z1-related disorder. Also called: AP5Z1-related condition.
Hereditary spastic paraplegia 48. Also called: Spastic paraplegia 48; SPASTIC PARAPLEGIA 48, AUTOSOMAL RECESSIVE. Identifiers: Orphanet 306511, MedGen C3150901, MONDO:0013342, OMIM 613647.
Hereditary spastic paraplegia. Also called: Familial spastic paraparesis. Identifiers: Orphanet 685, MedGen C0037773, MONDO:0019064. Disease mechanism: loss of function.

Allele frequency attached by ClinVar (database versions not stated): ESP Exome Variant Server 0.00395; gnomAD 0.00565 and 0.00595; 1000 Genomes Project 0.00639; TOPMed 0.00647; 1000 Genomes Project 30x 0.00656.
gnomAD v4.1: 1,918 of 1,607,180 alleles (0.12%); highest among the groups gnomAD compares: African/African-American, 2%; 17 homozygotes.

Submissions (8):

Labcorp Genetics (formerly Invitae), Labcorp
Classification: Benign for Hereditary spastic paraplegia 48. Last evaluated: 2026-01-07. Review status: criteria provided, single submitter. Criteria: Invitae Variant Classification Sherloc (09022015). Collection method: clinical testing. Allele origin: germline.

PreventionGenetics, part of Exact Sciences
Classification: Benign for AP5Z1-related condition. Last evaluated: 2025-05-28. Review status: criteria provided, single submitter. Criteria: ACMG Guidelines, 2015. Collection method: clinical testing. Allele origin: germline.
Comment: This variant is classified as benign based on ACMG/AMP sequence variant interpretation guidelines (Richards et al. 2015 PMID: 25741868, with internal and published modifications).

Fulgent Genetics
Classification: Likely benign for Hereditary spastic paraplegia 48. Last evaluated: 2021-09-27. Review status: criteria provided, single submitter. Criteria: ACMG Guidelines, 2015. Collection method: clinical testing. Allele origin: unknown.

GeneDx
Classification: Likely benign. Last evaluated: 2021-01-26. Review status: criteria provided, single submitter. Criteria: GeneDx Variant Classification Process June 2021. Collection method: clinical testing. Allele origin: germline. Affected: yes.

Mayo Clinic Laboratories, Mayo Clinic
Classification: Benign. Last evaluated: 2019-08-20. Review status: criteria provided, single submitter. Criteria: ACMG Guidelines, 2015. Collection method: clinical testing. Allele origin: germline. Observed: 4 variant alleles.

Genome Diagnostics Laboratory, The Hospital for Sick Children
Classification: Likely benign for Hereditary spastic paraplegia. Last evaluated: 2019-03-01. Review status: criteria provided, single submitter. Criteria: ACMG Guidelines, 2015. Collection method: clinical testing. Allele origin: germline. Affected: yes.

Athena Diagnostics
Classification: Benign. Last evaluated: 2016-08-15. Review status: criteria provided, single submitter. Criteria: Athena Diagnostics Criteria. Collection method: clinical testing. Allele origin: germline.

Breakthrough Genomics
Classification: Likely benign. Review status: criteria provided, single submitter. Criteria: ACMG Guidelines, 2015. Collection method: not provided. Allele origin: germline. Inheritance: Autosomal recessive inheritance. Affected: yes.